The following is an entry in ClinVar:

NM_000529.2(MC2R):c.681_688dup (p.Phe230fs)

Gene: MC2R (melanocortin 2 receptor; minus strand). Cytogenetic location: 18p11.21.
Variant type: Duplication.
Coding change: c.681_688dup on transcript NM_000529.2 (MANE Select); coding-DNA positions 681 to 688, 8 bases duplicated (CTTCATCT; older notation c.681_688dupCTTCATCT).
Protein change: p.Phe230fs; shifts the reading frame from phenylalanine 230.
Molecular consequence: frameshift variant.
Genome position (GRCh38, 1-based): chr18:13,884,831-13,884,838, AGATGAAG duplicated on the plus strand (CTTCATCT on the coding strand, the reverse complement: MC2R is on the minus strand); duplicating any 8 consecutive bases within chr18:13,884,831-13,884,839 gives the same sequence; the c. name uses the placement nearest the transcript's 3' end. VCF-style (leftmost placement, unchanged base first): chr18-13884830-A-AAGATGAAG. GRCh37 (hg19) VCF-style: chr18-13884829-A-AAGATGAAG.
Other names: c.681_688dup, p.Phe230fs (NM_001291911.1); short protein forms F230fs.
Identifiers: ClinVar variation 1691320 (VCV001691320.5), dbSNP rs1567895448, ClinGen allele CA628623250.

ClinVar aggregate classification (germline): Pathogenic/Likely pathogenic. Review status: criteria provided, multiple submitters, no conflicts (2 of 4 stars). 2 submissions from 2 submitters: Pathogenic (1); Likely pathogenic (1). Last evaluated 2022-01-19.

Conditions:
Glucocorticoid deficiency 1 (GCCD1). Also called: Adrenal unresponsiveness to acth; Glucocorticoid deficiency, due to ACTH unresponsiveness; FAMILIAL GLUCOCORTICOID DEFICIENCY 1. Identifiers: Orphanet 361, MedGen C4049650, MONDO:0024536, OMIM 202200.

Submissions (2):

Diagnostics Services (NGS), CSIR - Centre For Cellular And Molecular Biology
Classification: Pathogenic for Glucocorticoid deficiency 1. Last evaluated: 2022-01-19. Review status: criteria provided, single submitter. Criteria: ACMG Guidelines, 2015. Collection method: clinical testing. Allele origin: germline. Inheritance: Autosomal recessive inheritance. Affected: yes. Observed: 1 variant allele, 1 homozygote.
Comment: The c.681_688dup variant is not present in publicly available population databases like 1000 Genomes, Exome Variant Server (EVS), Exome Aggregation Consortium (ExAC), Genome Aggregation Database (gnomAD), dbSNP and Indian Exome Database. The variant is also not present in our in-house exome database. The variant was not reported earlier to ClinVar, Human Genome Mutation Database (HGMD) and OMIM databases in any affected individuals. In-silico pathogenicity prediction programs like MutationTaster2, CADD, Varsome etc. predicted this variant to be likely deleterious. The variant causes frameshift at the 230th amino acid position, thus creating a premature stop codon at the 244thamino acid position of the altered transcript, which may either produce a truncated protein or result in nonsense mediated decay of the mRNA. The variant has not been yet reported in any published study.

Neuberg Centre For Genomic Medicine, NCGM
Classification: Likely pathogenic for Glucocorticoid deficiency 1. Review status: criteria provided, single submitter. Criteria: ACMG Guidelines, 2015. Collection method: clinical testing. Allele origin: germline. Inheritance: Autosomal dominant inheritance. Affected: yes.
Comment: The frameshift variant c.681_688dup (p.Phe230SerfsTer15) in the MC2R gene has not been reported previously as a pathogenic variant nor as a benign variant, to our knowledge. This variant is reported with the allele frequency (0.0003%) in the gnomAD Exomes. It is submitted to ClinVar as Pathogenic. This variant causes a frameshift starting with codon Phenylalanine 230, changes this amino acid to Serine residue, and creates a premature Stop codon at position 15 of the new reading frame. This variant is predicted to cause loss of normal protein function either through protein truncation or nonsense-mediated mRNA decay. Loss of function variants have been previously reported to be disease causing (Chan et al., 2009). For these reasons, this variant has been classified as Likely Pathogenic